The following is an entry in ClinVar:

ClinVar aggregate classification (germline): Uncertain significance. Review status: criteria provided, multiple submitters, no conflicts (2 of 4 stars). 2 submissions from 2 submitters: Uncertain significance (2). Last evaluated 2023-12-16.

Conditions:
Hereditary cancer-predisposing syndrome. Also called: Neoplastic Syndromes, Hereditary; Tumor predisposition; Hereditary neoplastic syndrome; Hereditary Cancer Syndrome. Identifiers: Orphanet 140162, MedGen C0027672, MeSH D009386, MONDO:0015356.
Multiple endocrine neoplasia type 4. Also called: MULTIPLE ENDOCRINE NEOPLASIA, TYPE IV. Identifiers: Orphanet 276152, MedGen C1970712, MONDO:0012552, OMIM 610755.

Allele frequency attached by ClinVar (database versions not stated): gnomAD exomes below 0.00001.

Submissions (2):

Labcorp Genetics (formerly Invitae), Labcorp
Classification: Uncertain significance for Multiple endocrine neoplasia type 4. Last evaluated: 2023-12-16. Review status: criteria provided, single submitter. Criteria: Invitae Variant Classification Sherloc (09022015). Collection method: clinical testing. Allele origin: germline.
Comment: This sequence change replaces threonine, which is neutral and polar, with isoleucine, which is neutral and non-polar, at codon 135 of the CDKN1B protein (p.Thr135Ile). This variant is not present in population databases (gnomAD no frequency). This variant has not been reported in the literature in individuals affected with CDKN1B-related conditions. An algorithm developed to predict the effect of missense changes on protein structure and function (PolyPhen-2) suggests that this variant is likely to be tolerated. In summary, the available evidence is currently insufficient to determine the role of this variant in disease. Therefore, it has been classified as a Variant of Uncertain Significance.

Ambry Genetics
Classification: Uncertain significance for Hereditary cancer-predisposing syndrome. Last evaluated: 2023-10-08. Review status: criteria provided, single submitter. Criteria: Ambry Variant Classification Scheme 2023. Collection method: clinical testing. Allele origin: germline.
Comment: The p.T135I variant (also known as c.404C>T), located in coding exon 1 of the CDKN1B gene, results from a C to T substitution at nucleotide position 404. The threonine at codon 135 is replaced by isoleucine, an amino acid with similar properties. This amino acid position is conserved. In addition, this alteration is predicted to be tolerated by in silico analysis. Since supporting evidence is limited at this time, the clinical significance of this alteration remains unclear.

NM_004064.5(CDKN1B):c.404C>T (p.Thr135Ile)

Gene: CDKN1B (cyclin dependent kinase inhibitor 1B; plus strand). Cytogenetic location: 12p13.1.
Variant type: single nucleotide variant.
Coding change: c.404C>T on transcript NM_004064.5 (MANE Select); coding-DNA position 404, C replaced by T.
Protein change: p.Thr135Ile; replaces threonine 135 with isoleucine.
Molecular consequence: missense variant.
Genome position (GRCh38, 1-based): chr12:12,718,243, C>T. VCF-style: chr12-12718243-C-T. GRCh37 (hg19) VCF-style: chr12-12871177-C-T.
Other names: c.404C>T (NM_004064.3); short protein forms T135I.
Identifiers: ClinVar variation 2893776 (VCV002893776.4), dbSNP rs1565419638, ClinGen allele CA383970634.